The following is an entry in ClinVar:

NM_006261.5(PROP1):c.681A>T (p.Ter227Cys)

Gene: PROP1 (PROP paired-like homeobox 1; minus strand). Cytogenetic location: 5q35.3.
Variant type: single nucleotide variant.
Coding change: c.681A>T on transcript NM_006261.5 (MANE Select); coding-DNA position 681, A replaced by T.
Protein change: p.Ter227Cys.
Molecular consequence: stop lost.
Genome position (GRCh38, 1-based): chr5:177,992,709, T>A on the plus strand (A>T on the coding strand, the complement: PROP1 is on the minus strand). VCF-style: chr5-177992709-T-A. GRCh37 (hg19) VCF-style: chr5-177419710-T-A.
Identifiers: ClinVar variation 5003647 (VCV005003647.1).

ClinVar aggregate classification (germline): Uncertain significance (1 of 4 stars; one submission).

Conditions:
Pituitary hormone deficiency, combined, 2. Also called: PROP1-Related Combined Pituitary Hormone Deficiency; PITUITARY DWARFISM III; ATELIOTIC DWARFISM WITH HYPOGONADISM; HANHART DWARFISM. Identifiers: MedGen C0878683, MONDO:0009878, OMIM 262600.

Submission:

Myriad Genetics, Inc.
Classification: Uncertain significance for Pituitary hormone deficiency, combined, 2. Last evaluated: 2026-08-11. Review status: criteria provided, single submitter. Criteria: Myriad Autosomal Dominant, Autosomal Recessive and X-Linked Classification Criteria (2023). Collection method: clinical testing. Allele origin: unknown.
Comment: NM_006261.4(PROP1):c.681A>T(*227Cext*16) is a stop-loss variant classified as a variant of uncertain significance in the context of combined pituitary hormone deficiency, PROP1-related. *227Cext*16 has not been observed in cases with relevant disease. Relevant functional assessments of this variant are not available in the literature. *227Cext*16 has not been observed in referenced population frequency databases. In summary, there is insufficient evidence to classify NM_006261.4(PROP1):c.681A>T(*227Cext*16) as pathogenic or benign. Please note: this variant was assessed in the context of healthy population screening.